The following is an entry in ClinVar:

NM_000384.3(APOB):c.10460C>A (p.Thr3487Asn)

Gene: APOB (apolipoprotein B; minus strand). Cytogenetic location: 2p24.1.
Variant type: single nucleotide variant.
Coding change: c.10460C>A on transcript NM_000384.3 (MANE Select); coding-DNA position 10460, C replaced by A.
Protein change: p.Thr3487Asn; replaces threonine 3487 with asparagine.
Molecular consequence: missense variant.
Genome position (GRCh38, 1-based): chr2:21,006,408, G>T on the plus strand (C>A on the coding strand, the complement: APOB is on the minus strand). VCF-style: chr2-21006408-G-T. GRCh37 (hg19) VCF-style: chr2-21229280-G-T.
Other names: short protein forms T3487N.
Identifiers: ClinVar variation 1775373 (VCV001775373.3), dbSNP rs369574095, ClinGen allele CA043559.
Genomic context (GRCh38, chr2:21,006,408, plus strand): 5'-CGAGAAAGAACCGAACCCTTGACATCTCCTTTGGTAGATGACTCAATGGAAAAGTAAGAG[G>T]TGAGGCTTTCCAAGCTAAGCTTGTGGTCAACTGCTCCTTTAGCGGTAGAGTACAGCATTG-3'
Protein context (NP_000375.3, residues 3477-3497): VDHKLSLESL[Thr3487Asn]SYFSIESSTK

ClinVar aggregate classification (germline): Uncertain significance. Review status: criteria provided, multiple submitters, no conflicts (2 of 4 stars). 2 submissions from 2 submitters: Uncertain significance (2). Last evaluated 2024-07-22.

Conditions:
Cardiovascular phenotype. Identifiers: MedGen CN230736.

Allele frequency attached by ClinVar (database versions not stated): gnomAD 0.00001; TOPMed 0.00001; ESP Exome Variant Server 0.00008.
gnomAD v4.1: 2 of 1,613,952 alleles (0.00012%); highest among the groups gnomAD compares: African/African-American, 0.0027%; no homozygotes.

Submissions (2):

GeneDx
Classification: Uncertain significance. Last evaluated: 2024-07-22. Review status: criteria provided, single submitter. Criteria: GeneDx Variant Classification Process June 2021. Collection method: clinical testing. Allele origin: germline. Affected: yes.
Comment: Not observed at significant frequency in large population cohorts (gnomAD); In silico analysis supports that this missense variant has a deleterious effect on protein structure/function; Has not been previously published as pathogenic or benign to our knowledge

Ambry Genetics
Classification: Uncertain significance for Cardiovascular phenotype. Last evaluated: 2022-06-02. Review status: criteria provided, single submitter. Criteria: Ambry Variant Classification Scheme 2023. Collection method: clinical testing. Allele origin: germline.
Comment: The p.T3487N variant (also known as c.10460C>A), located in coding exon 26 of the APOB gene, results from a C to A substitution at nucleotide position 10460. The threonine at codon 3487 is replaced by asparagine, an amino acid with similar properties. This amino acid position is conserved. In addition, this alteration is predicted to be tolerated by in silico analysis. Since supporting evidence is limited at this time, the clinical significance of this alteration remains unclear.